The following is an entry in ClinVar:

NM_000059.4(BRCA2):c.2315C>T (p.Thr772Ile)

Gene: BRCA2 (BRCA2 DNA repair associated; plus strand). Cytogenetic location: 13q13.1.
Variant type: single nucleotide variant.
Coding change: c.2315C>T on transcript NM_000059.4 (MANE Select); coding-DNA position 2315, C replaced by T.
Protein change: p.Thr772Ile; replaces threonine 772 with isoleucine.
Molecular consequence: missense variant.
Genome position (GRCh38, 1-based): chr13:32,336,670, C>T. VCF-style: chr13-32336670-C-T. GRCh37 (hg19) VCF-style: chr13-32910807-C-T.
Other names: short protein forms T772I.
Identifiers: ClinVar variation 420503 (VCV000420503.21), dbSNP rs1064794522, ClinGen allele CA16619669.

ClinVar aggregate classification (germline): Conflicting classifications of pathogenicity. Review status: criteria provided, conflicting classifications (1 of 4 stars). 5 submissions from 5 submitters: Uncertain significance (4); Likely benign (1). Last evaluated 2025-01-08.

Conditions:
Hereditary breast ovarian cancer syndrome. Also called: Hereditary breast and ovarian cancer; Hereditary breast and/or ovarian cancer syndrome; Hereditary breast and ovarian cancer syndrome; Hereditary breast and ovarian cancer syndrome (HBOC); Breast and ovarian cancer; BRCA1- and BRCA2-Associated Hereditary Breast and Ovarian Cancer. Identifiers: Orphanet 145, MedGen C0677776, MeSH D061325, MONDO:0003582. Disease mechanism: loss of function.
Hereditary cancer-predisposing syndrome. Also called: Hereditary neoplastic syndrome; Tumor predisposition; Neoplastic Syndromes, Hereditary; Hereditary Cancer Syndrome. Identifiers: Orphanet 140162, MedGen C0027672, MeSH D009386, MONDO:0015356.

Submissions (5):

Labcorp Genetics (formerly Invitae), Labcorp
Classification: Uncertain significance for Hereditary breast ovarian cancer syndrome. Last evaluated: 2025-01-08. Review status: criteria provided, single submitter. Criteria: Invitae Variant Classification Sherloc (09022015). Collection method: clinical testing. Allele origin: germline.
Comment: This sequence change replaces threonine, which is neutral and polar, with isoleucine, which is neutral and non-polar, at codon 772 of the BRCA2 protein (p.Thr772Ile). This variant is not present in population databases (gnomAD no frequency). This variant has not been reported in the literature in individuals affected with BRCA2-related conditions. ClinVar contains an entry for this variant (Variation ID: 420503). Invitae Evidence Modeling of protein sequence and biophysical properties (such as structural, functional, and spatial information, amino acid conservation, physicochemical variation, residue mobility, and thermodynamic stability) indicates that this missense variant is not expected to disrupt BRCA2 protein function with a negative predictive value of 95%. In summary, the available evidence is currently insufficient to determine the role of this variant in disease. Therefore, it has been classified as a Variant of Uncertain Significance.

University of Washington Department of Laboratory Medicine, University of Washington
Classification: Likely benign for Hereditary cancer-predisposing syndrome. Last evaluated: 2023-03-23. Review status: criteria provided, single submitter. Criteria: Dines et al. (Genet Med. 2020). Collection method: curation. Allele origin: germline.
Comment: Missense variant in a coldspot region where missense variants are very unlikely to be pathogenic (PMID:31911673).

BRCA2 exon 11 coldspot. Reclassification based on statistical prior probability.

Ambry Genetics
Classification: Uncertain significance for Hereditary cancer-predisposing syndrome. Last evaluated: 2021-06-18. Review status: criteria provided, single submitter. Criteria: Ambry Variant Classification Scheme 2023. Collection method: clinical testing. Allele origin: germline.
Comment: The p.T772I variant (also known as c.2315C>T), located in coding exon 10 of the BRCA2 gene, results from a C to T substitution at nucleotide position 2315. The threonine at codon 772 is replaced by isoleucine, an amino acid with similar properties. This amino acid position is well conserved in available vertebrate species. In addition, the in silico prediction for this alteration is inconclusive. Since supporting evidence is limited at this time, the clinical significance of this alteration remains unclear.

Color Diagnostics, LLC DBA Color Health
Classification: Uncertain significance for Hereditary cancer-predisposing syndrome. Last evaluated: 2021-05-20. Review status: criteria provided, single submitter. Criteria: ACMG Guidelines, 2015. Collection method: clinical testing. Allele origin: germline.
Comment: This missense variant replaces threonine with isoleucine at codon 772 of the BRCA2 protein. Computational prediction suggests that this variant may not impact protein structure and function (internally defined REVEL score threshold <= 0.5, PMID: 27666373). To our knowledge, functional studies have not been reported for this variant. This variant has not been reported in individuals affected with hereditary cancer in the literature. This variant has not been identified in the general population by the Genome Aggregation Database (gnomAD). The available evidence is insufficient to determine the role of this variant in disease conclusively. Therefore, this variant is classified as a Variant of Uncertain Significance.

GeneDx
Classification: Uncertain significance. Last evaluated: 2017-01-17. Review status: criteria provided, single submitter. Criteria: GeneDx Variant Classification (06012015). Collection method: clinical testing. Allele origin: germline. Affected: yes.
Comment: This variant is denoted BRCA2 c.2315C>T at the cDNA level, p.Thr772Ile (T772I) at the protein level, and results in the change of a Threonine to an Isoleucine (ACT>ATT). Using alternate nomenclature, this variant would be defined as BRCA2 2543C>T. This variant has not, to our knowledge, been published in the literature as pathogenic or benign. BRCA2 Thr772Ile was not observed in approximately 6,500 individuals of European and African American ancestry in the NHLBI Exome Sequencing Project, suggesting it is not a common benign variant in these populations. Since Threonine and Isoleucine differ in polarity, charge, size or other properties, this is considered a non-conservative amino acid substitution. BRCA2 Thr772Ile occurs at a position that is not conserved and is not located in a known functional domain. In silico analyses are inconsistent regarding the effect this variant may have on protein structure and function. Based on currently available evidence, it is unclear whether BRCA2 Thr772Ile is a pathogenic or benign variant. We consider it to be a variant of uncertain significance.